The following is an entry in ClinVar:

ClinVar aggregate classification (germline): Uncertain significance (1 of 4 stars; one submission).

gnomAD v4.1: 22 of 1,613,862 alleles (0.0014%); highest among the groups gnomAD compares: Non-Finnish European, 0.0019%; no homozygotes.

Submission:

Labcorp Genetics (formerly Invitae), Labcorp
Classification: Uncertain significance. Last evaluated: 2024-02-19. Review status: criteria provided, single submitter. Criteria: Invitae Variant Classification Sherloc (09022015). Collection method: clinical testing. Allele origin: germline.
Comment: This sequence change replaces phenylalanine, which is neutral and non-polar, with leucine, which is neutral and non-polar, at codon 1651 of the LTBP2 protein (p.Phe1651Leu). This variant is present in population databases (no rsID available, gnomAD 0.0009%). This variant has not been reported in the literature in individuals affected with LTBP2-related conditions. An algorithm developed to predict the effect of missense changes on protein structure and function (PolyPhen-2) suggests that this variant is likely to be tolerated. In summary, the available evidence is currently insufficient to determine the role of this variant in disease. Therefore, it has been classified as a Variant of Uncertain Significance.

NM_000428.3(LTBP2):c.4953C>G (p.Phe1651Leu)

Gene: LTBP2 (latent transforming growth factor beta binding protein 2; minus strand). Cytogenetic location: 14q24.3.
Variant type: single nucleotide variant.
Coding change: c.4953C>G on transcript NM_000428.3 (MANE Select); coding-DNA position 4953, C replaced by G.
Protein change: p.Phe1651Leu; replaces phenylalanine 1651 with leucine.
Molecular consequence: missense variant.
Genome position (GRCh38, 1-based): chr14:74,502,870, G>C on the plus strand (C>G on the coding strand, the complement: LTBP2 is on the minus strand). VCF-style: chr14-74502870-G-C. GRCh37 (hg19) VCF-style: chr14-74969573-G-C.
Other names: short protein forms F1651L.
Identifiers: ClinVar variation 3631815 (VCV003631815.2).